The following is an entry in ClinVar:

ClinVar aggregate classification (germline): Uncertain significance (1 of 4 stars; one submission).

Allele frequency attached by ClinVar (database versions not stated): gnomAD exomes below 0.00001.
gnomAD v4.1: 1 of 1,613,680 alleles (0.000062%); highest among the groups gnomAD compares: Non-Finnish European, 0.000085%; no homozygotes.

Submission:

Labcorp Genetics (formerly Invitae), Labcorp
Classification: Uncertain significance. Last evaluated: 2022-08-31. Review status: criteria provided, single submitter. Criteria: Invitae Variant Classification Sherloc (09022015). Collection method: clinical testing. Allele origin: germline.
Comment: In summary, the available evidence is currently insufficient to determine the role of this variant in disease. Therefore, it has been classified as a Variant of Uncertain Significance. Algorithms developed to predict the effect of sequence changes on RNA splicing suggest that this variant is not likely to affect RNA splicing. ClinVar contains an entry for this variant (Variation ID: 1383613). This variant has not been reported in the literature in individuals affected with POLR3A-related conditions. This variant is not present in population databases (gnomAD no frequency). This sequence change affects codon 1024 of the POLR3A mRNA. It is a 'silent' change, meaning that it does not change the encoded amino acid sequence of the POLR3A protein. It affects a nucleotide within the consensus splice site.

NM_007055.4(POLR3A):c.3072G>A (p.Arg1024=)

Gene: POLR3A (RNA polymerase III subunit A; minus strand). Cytogenetic location: 10q22.3.
Variant type: single nucleotide variant.
Coding change: c.3072G>A on transcript NM_007055.4 (MANE Select); coding-DNA position 3072, G replaced by A.
Protein change: p.Arg1024=; no amino-acid change (arginine 1024 retained).
Molecular consequence: synonymous variant.
Genome position (GRCh38, 1-based): chr10:77,985,340, C>T on the plus strand (G>A on the coding strand, the complement: POLR3A is on the minus strand). VCF-style: chr10-77985340-C-T. GRCh37 (hg19) VCF-style: chr10-79745098-C-T.
Identifiers: ClinVar variation 1383613 (VCV001383613.6), dbSNP rs1200359299, ClinGen allele CA470393507.
Genomic context (GRCh38, chr10:77,985,340, plus strand): 5'-TGGCTCACCAATGCTCTGGGCACACAGAGCACCCACTGCAGAACCTGGCTCCATCTGTGC[C>T]CTAGAAGGCAAAGGTATGGATGAGATTGCAGCATGCCAAAGAAAAGTCCAGCAAAACTGC-3'
Protein context (NP_008986.2, residues 1014-1034): FLETCRDKYM[Arg1024=]AQMEPGSAVG